The following is an entry in ClinVar:

NM_000130.5(F5):c.4924G>A (p.Gly1642Arg)

Gene: F5 (coagulation factor V; minus strand). Cytogenetic location: 1q24.2.
Variant type: single nucleotide variant.
Coding change: c.4924G>A on transcript NM_000130.5 (MANE Select); coding-DNA position 4924, G replaced by A.
Protein change: p.Gly1642Arg; replaces glycine 1642 with arginine.
Molecular consequence: missense variant.
Genome position (GRCh38, 1-based): chr1:169,536,553, C>T on the plus strand (G>A on the coding strand, the complement: F5 is on the minus strand). VCF-style: chr1-169536553-C-T. GRCh37 (hg19) VCF-style: chr1-169505791-C-T.
Other names: short protein forms G1642R.
Identifiers: ClinVar variation 3341839 (VCV003341839.17).

ClinVar aggregate classification (germline): Uncertain significance. Review status: criteria provided, multiple submitters, no conflicts (2 of 4 stars). 2 submissions from 2 submitters: Uncertain significance (2). Last evaluated 2026-07-07.

Conditions:
F5-related disorder. Also called: F5-related condition.

gnomAD v4.1: 25 of 1,613,412 alleles (0.0015%); highest among the groups gnomAD compares: Admixed American, 0.013%; no homozygotes.

Submissions (2):

PreventionGenetics, part of Exact Sciences
Classification: Uncertain significance for F5-related condition. Last evaluated: 2026-07-07. Review status: criteria provided, single submitter. Criteria: ACMG Guidelines, 2015. Collection method: clinical testing. Allele origin: germline.
Comment: The F5 c.4924G>A variant is predicted to result in the amino acid substitution p.Gly1642Arg. To our knowledge, this variant has not been reported in the literature or in a large population database (gnomAD), indicating this variant is rare. At this time, the clinical significance of this variant is uncertain due to the absence of conclusive functional and genetic evidence.

CeGaT Center for Human Genetics Tuebingen
Classification: Uncertain significance. Last evaluated: 2024-08-01. Review status: criteria provided, single submitter. Criteria: CeGaT Center For Human Genetics Tuebingen Variant Classification Criteria Version 2. Collection method: clinical testing. Allele origin: germline. Affected: yes. Observed: 1 variant allele.
Comment: F5: PP3